The following is an entry in ClinVar:

NM_001384140.1(PCDH15):c.2347del (p.Asp783fs)

Gene: PCDH15 (protocadherin related 15; minus strand). Cytogenetic location: 10q21.1.
Variant type: Deletion.
Coding change: c.2347del on transcript NM_001384140.1 (MANE Select); coding-DNA position 2347, one base deleted (G; older notation c.2347delG).
Protein change: p.Asp783fs; shifts the reading frame from aspartic acid 783.
Molecular consequence: frameshift variant.
Genome position (GRCh38, 1-based): chr10:54,023,071, C deleted on the plus strand (G on the coding strand, the reverse complement: PCDH15 is on the minus strand); the first of 3 consecutive C bases (chr10:54,023,071-54,023,073); deleting any one gives the same sequence. VCF-style (leftmost placement, unchanged base first): chr10-54023070-TC-T. GRCh37 (hg19) VCF-style: chr10-55782830-TC-T.
Other names: c.2347del (NM_033056.3); c.2362del, p.Asp788fs (NM_001142763.2, NM_001142771.2); c.2347del, p.Asp783fs (NM_001142764.2, NM_001142766.2, NM_001142770.3 and 5 more transcripts); c.2134del, p.Asp712fs (NM_001142765.2); c.2236del, p.Asp746fs (NM_001142767.2); c.2281del, p.Asp761fs (NM_001142768.2, NM_001142773.2, NM_001354404.2); c.2381delG, p.Asp795Thrfs (NM_001142769.4); c.2368del, p.Asp790fs (NM_001354411.2); short protein forms D712fs, D746fs, D761fs, D783fs, D788fs, D790fs, D795fs.
Identifiers: ClinVar variation 1198448 (VCV001198448.8), dbSNP rs2135322143, ClinGen allele CA2499220284.

ClinVar aggregate classification (germline): Likely pathogenic. Review status: criteria provided, multiple submitters, no conflicts (2 of 4 stars). 5 submissions from 5 submitters: Likely pathogenic (5). Last evaluated 2024-06-07.

Conditions:
Usher syndrome type 1D (USH1D). Also called: USHER SYNDROME, TYPE ID. Identifiers: Orphanet 231169, Orphanet 886, MedGen C1832845, MONDO:0010984, OMIM 601067.
Usher syndrome type 1F (USH1F). Also called: USHER SYNDROME, TYPE IF. Identifiers: Orphanet 231169, Orphanet 886, MedGen C1865885, MONDO:0011186, OMIM 602083.
Autosomal recessive nonsyndromic hearing loss 23. Identifiers: Orphanet 90636, MedGen C1836027, MONDO:0012293, OMIM 609533.

Submissions (5):

Fulgent Genetics
Classification: Likely pathogenic for Usher syndrome type 1D; Usher syndrome type 1F; Autosomal recessive nonsyndromic hearing loss 23. Last evaluated: 2024-06-07. Review status: criteria provided, single submitter. Criteria: ACMG Guidelines, 2015. Collection method: clinical testing. Allele origin: germline.

Baylor Genetics
Classification: Likely pathogenic for Autosomal recessive nonsyndromic hearing loss 23. Last evaluated: 2024-02-20. Review status: criteria provided, single submitter. Criteria: ACMG Guidelines, 2015. Collection method: clinical testing. Allele origin: unknown.

Revvity Omics, Revvity
Classification: Likely pathogenic. Last evaluated: 2023-06-01. Review status: criteria provided, single submitter. Criteria: ACMG Guidelines, 2015. Collection method: clinical testing. Allele origin: germline.

Department of Pathology and Laboratory Medicine, Sinai Health System
Classification: Likely pathogenic for Usher syndrome type 1D. Last evaluated: 2023-05-05. Review status: criteria provided, single submitter. Criteria: ACMG Guidelines, 2015. Collection method: research. Allele origin: germline.

GeneDx
Classification: Likely pathogenic. Last evaluated: 2019-12-30. Review status: criteria provided, single submitter. Criteria: GeneDx Variant Classification Process June 2021. Collection method: clinical testing. Allele origin: germline. Affected: yes.
Comment: Frameshift variant predicted to result in protein truncation or nonsense mediated decay in a gene for which loss-of-function is a known mechanism of disease; Not observed in large population cohorts (Lek et al., 2016); Has not been previously published as pathogenic or benign to our knowledge